The following is an entry in ClinVar:

NM_000548.5(TSC2):c.3740C>G (p.Thr1247Arg)

Gene: TSC2 (TSC complex subunit 2; plus strand). Cytogenetic location: 16p13.3.
Variant type: single nucleotide variant.
Coding change: c.3740C>G on transcript NM_000548.5 (MANE Select); coding-DNA position 3740, C replaced by G.
Protein change: p.Thr1247Arg; replaces threonine 1247 with arginine.
Molecular consequence: missense variant.
Genome position (GRCh38, 1-based): chr16:2,081,724, C>G. VCF-style: chr16-2081724-C-G. GRCh37 (hg19) VCF-style: chr16-2131725-C-G.
Other names: c.3740C>G (NM_000548.3); c.3608C>G, p.Thr1203Arg (NM_001077183.3, NM_001370404.1); c.3740C>G, p.Thr1247Arg (NM_001114382.3); c.3500C>G, p.Thr1167Arg (NM_001318827.2); c.3464C>G, p.Thr1155Arg (NM_001318829.2); c.3008C>G, p.Thr1003Arg (NM_001318831.2); c.3641C>G, p.Thr1214Arg (NM_001318832.2); c.3611C>G, p.Thr1204Arg (NM_001363528.2, NM_001370405.1, NM_021055.3); short protein forms T1003R, T1155R, T1167R, T1203R, T1204R, T1214R, T1247R.
Identifiers: ClinVar variation 1052906 (VCV001052906.12), dbSNP rs2151483328, ClinGen allele CA394293007.

ClinVar aggregate classification (germline): Uncertain significance. Review status: criteria provided, multiple submitters, no conflicts (2 of 4 stars). 3 submissions from 3 submitters: Uncertain significance (3). Last evaluated 2023-08-16.

Conditions:
Isolated focal cortical dysplasia type II (FCORD2). Also called: CORTICAL DYSPLASIA OF TAYLOR; Focal cortical dysplasia type II. Identifiers: Orphanet 268994, MedGen C1846385, MONDO:0011818, OMIM 607341, HP:0032051.
Hereditary cancer-predisposing syndrome. Also called: Hereditary Cancer Syndrome; Tumor predisposition; Hereditary neoplastic syndrome; Neoplastic Syndromes, Hereditary. Identifiers: Orphanet 140162, MedGen C0027672, MeSH D009386, MONDO:0015356.
Tuberous sclerosis 2 (TSC2). Identifiers: Orphanet 805, MedGen C1860707, MONDO:0013199, OMIM 613254.

Submissions (3):

Baylor Genetics
Classification: Uncertain significance for Isolated focal cortical dysplasia type II. Last evaluated: 2023-08-16. Review status: criteria provided, single submitter. Criteria: ACMG Guidelines, 2015. Collection method: clinical testing. Allele origin: unknown.

Ambry Genetics
Classification: Uncertain significance for Hereditary cancer-predisposing syndrome. Last evaluated: 2022-12-23. Review status: criteria provided, single submitter. Criteria: Ambry Variant Classification Scheme 2023. Collection method: clinical testing. Allele origin: germline.
Comment: The p.T1247R variant (also known as c.3740C>G), located in coding exon 30 of the TSC2 gene, results from a C to G substitution at nucleotide position 3740. The threonine at codon 1247 is replaced by arginine, an amino acid with similar properties. This amino acid position is conserved. In addition, this alteration is predicted to be deleterious by in silico analysis. Since supporting evidence is limited at this time, the clinical significance of this alteration remains unclear.

Labcorp Genetics (formerly Invitae), Labcorp
Classification: Uncertain significance for Tuberous sclerosis 2. Last evaluated: 2020-01-13. Review status: criteria provided, single submitter. Criteria: Invitae Variant Classification Sherloc (09022015). Collection method: clinical testing. Allele origin: germline.
Comment: This variant has not been reported in the literature in individuals with TSC2-related conditions. In summary, the available evidence is currently insufficient to determine the role of this variant in disease. Therefore, it has been classified as a Variant of Uncertain Significance. Algorithms developed to predict the effect of missense changes on protein structure and function are either unavailable or do not agree on the potential impact of this missense change (SIFT: "Tolerated"; PolyPhen-2: "Possibly Damaging"; Align-GVGD: "Class C0"). This variant is not present in population databases (ExAC no frequency). This sequence change replaces threonine with arginine at codon 1247 of the TSC2 protein (p.Thr1247Arg). The threonine residue is moderately conserved and there is a moderate physicochemical difference between threonine and arginine.